The following is an entry in ClinVar:

ClinVar aggregate classification (germline): Benign/Likely benign. Review status: criteria provided, multiple submitters, no conflicts (2 of 4 stars). 3 submissions from 3 submitters: Benign (1); Likely benign (1). 1 of the submissions does not count toward it. Last evaluated 2025-07-23.

Conditions:
NOTCH3-related disorder. Also called: NOTCH3-related disorders; NOTCH3-related condition.

Allele frequency attached by ClinVar (database versions not stated): ExAC 0.00002; gnomAD 0.00006; TOPMed 0.00008.
gnomAD v4.1: 40 of 1,613,764 alleles (0.0025%); highest among the groups gnomAD compares: African/African-American, 0.02%; no homozygotes.

Submissions (3):

Mayo Clinic Laboratories, Mayo Clinic
Classification: Likely benign. Last evaluated: 2025-07-23. Review status: criteria provided, single submitter. Criteria: ACMG Guidelines, 2015. Collection method: clinical testing. Allele origin: germline. Observed: 1 variant allele.
Comment: BP4, BP7

Labcorp Genetics (formerly Invitae), Labcorp
Classification: Benign. Last evaluated: 2023-04-10. Review status: criteria provided, single submitter. Criteria: Invitae Variant Classification Sherloc (09022015). Collection method: clinical testing. Allele origin: germline.

PreventionGenetics, part of Exact Sciences
Classification: Likely benign for NOTCH3-related condition. Last evaluated: 2024-05-08. Review status: no assertion criteria provided. Collection method: clinical testing. Allele origin: germline. Not counted in ClinVar's aggregate classification.
Comment: This variant is classified as likely benign based on ACMG/AMP sequence variant interpretation guidelines (Richards et al. 2015 PMID: 25741868, with internal and published modifications).

NM_000435.3(NOTCH3):c.5943C>T (p.Arg1981=)

Gene: NOTCH3 (notch receptor 3; minus strand). Cytogenetic location: 19p13.12.
Variant type: single nucleotide variant.
Coding change: c.5943C>T on transcript NM_000435.3 (MANE Select); coding-DNA position 5943, C replaced by T.
Protein change: p.Arg1981=; no amino-acid change (arginine 1981 retained).
Molecular consequence: synonymous variant.
Genome position (GRCh38, 1-based): chr19:15,161,685, G>A on the plus strand (C>T on the coding strand, the complement: NOTCH3 is on the minus strand). VCF-style: chr19-15161685-G-A. GRCh37 (hg19) VCF-style: chr19-15272496-G-A.
Other names: p.Arg1981=; c.5943C>T (NM_000435.2).
Identifiers: ClinVar variation 2769097 (VCV002769097.5), dbSNP rs747804178, ClinGen allele CA9262458.